The following is an entry in ClinVar:

ClinVar aggregate classification (germline): Uncertain significance. Review status: criteria provided, multiple submitters, no conflicts (2 of 4 stars). 2 submissions from 2 submitters: Uncertain significance (2). Last evaluated 2022-09-01.

Conditions:
Deficiency of UDPglucose-hexose-1-phosphate uridylyltransferase. Also called: GALT deficiency; Galactosemia, classic; GALACTOSEMIA I; GALACTOSE-1-PHOSPHATE URIDYLYLTRANSFERASE DEFICIENCY; Transferase Deficiency Galactosemia. Identifiers: Orphanet 352, Orphanet 79239, MedGen C0268151, MONDO:0009258, OMIM 230400.

Allele frequency attached by ClinVar (database versions not stated): gnomAD exomes below 0.00001.
gnomAD v4.1: 1 of 1,613,660 alleles (0.000062%); highest among the groups gnomAD compares: African/African-American, 0.0013%; no homozygotes.

Submissions (2):

Labcorp Genetics (formerly Invitae), Labcorp
Classification: Uncertain significance for Deficiency of UDPglucose-hexose-1-phosphate uridylyltransferase. Last evaluated: 2022-09-01. Review status: criteria provided, single submitter. Criteria: Invitae Variant Classification Sherloc (09022015). Collection method: clinical testing. Allele origin: germline.
Comment: In summary, the available evidence is currently insufficient to determine the role of this variant in disease. Therefore, it has been classified as a Variant of Uncertain Significance. Algorithms developed to predict the effect of sequence changes on RNA splicing suggest that this variant may disrupt the consensus splice site. ClinVar contains an entry for this variant (Variation ID: 1693995). This variant has not been reported in the literature in individuals affected with GALT-related conditions. This variant is present in population databases (no rsID available, gnomAD 0.007%). This sequence change falls in intron 8 of the GALT gene. It does not directly change the encoded amino acid sequence of the GALT protein.

Mayo Clinic Laboratories, Mayo Clinic
Classification: Uncertain significance. Last evaluated: 2021-04-08. Review status: criteria provided, single submitter. Criteria: ACMG Guidelines, 2015. Collection method: clinical testing. Allele origin: germline.

NM_000155.4(GALT):c.820+16A>C

Gene: GALT (galactose-1-phosphate uridylyltransferase; plus strand). Cytogenetic location: 9p13.3.
Variant type: single nucleotide variant.
Coding change: c.820+16A>C on transcript NM_000155.4 (MANE Select); 16 bases into the intron after coding-DNA position 820, A replaced by C.
Molecular consequence: intron variant.
Genome position (GRCh38, 1-based): chr9:34,648,910, A>C. VCF-style: chr9-34648910-A-C. GRCh37 (hg19) VCF-style: chr9-34648907-A-C.
Other names: c.493+16A>C (NM_001258332.2).
Identifiers: ClinVar variation 1693995 (VCV001693995.9), dbSNP rs1414791300, ClinGen allele CA587568382.